The following is an entry in ClinVar:

NM_032119.4(ADGRV1):c.13523C>G (p.Ala4508Gly)

Gene: ADGRV1 (adhesion G protein-coupled receptor V1; plus strand). Cytogenetic location: 5q14.3.
Variant type: single nucleotide variant.
Coding change: c.13523C>G on transcript NM_032119.4 (MANE Select); coding-DNA position 13523, C replaced by G.
Protein change: p.Ala4508Gly; replaces alanine 4508 with glycine.
Molecular consequence: missense variant. On other transcripts: non-coding transcript variant (1).
Genome position (GRCh38, 1-based): chr5:90,783,927, C>G. VCF-style: chr5-90783927-C-G. GRCh37 (hg19) VCF-style: chr5-90079744-C-G.
Other names: c.13523C>G (NM_032119.3); short protein forms A4508G.
Identifiers: ClinVar variation 1472403 (VCV001472403.7), dbSNP rs1319149562, ClinGen allele CA360394899.

ClinVar aggregate classification (germline): Uncertain significance. Review status: criteria provided, multiple submitters, no conflicts (2 of 4 stars). 2 submissions from 2 submitters: Uncertain significance (2). Last evaluated 2025-12-08.

Submissions (2):

Labcorp Genetics (formerly Invitae), Labcorp
Classification: Uncertain significance. Last evaluated: 2025-12-08. Review status: criteria provided, single submitter. Criteria: Invitae Variant Classification Sherloc (09022015). Collection method: clinical testing. Allele origin: germline.
Comment: This sequence change replaces alanine, which is neutral and non-polar, with glycine, which is neutral and non-polar, at codon 4508 of the ADGRV1 protein (p.Ala4508Gly). This variant is not present in population databases (gnomAD no frequency). This missense change has been observed in individual(s) with ADGRV1-related conditions (PMID: 35779349). ClinVar contains an entry for this variant (Variation ID: 1472403). Invitae Evidence Modeling of protein sequence and biophysical properties (such as structural, functional, and spatial information, amino acid conservation, physicochemical variation, residue mobility, and thermodynamic stability) indicates that this missense variant is not expected to disrupt ADGRV1 protein function with a negative predictive value of 95%. Algorithms developed to predict the effect of sequence changes on RNA splicing suggest that this variant may disrupt the consensus splice site. In summary, the available evidence is currently insufficient to determine the role of this variant in disease. Therefore, it has been classified as a Variant of Uncertain Significance.

Clinical Genetics Laboratory, Skane University Hospital Lund
Classification: Uncertain significance. Last evaluated: 2022-05-27. Review status: criteria provided, single submitter. Criteria: ACMG Guidelines, 2015. Collection method: clinical testing. Allele origin: germline. Affected: yes.

Literature cited by the submitters: PubMed 35779349 (cited by Labcorp Genetics (formerly Invitae), Labcorp).